The following is an entry in ClinVar:

NM_001282531.3(ADNP):c.2943G>T (p.Val981=)

Gene: ADNP (activity dependent neuroprotector homeobox; minus strand). Cytogenetic location: 20q13.13.
Variant type: single nucleotide variant.
Coding change: c.2943G>T on transcript NM_001282531.3 (MANE Select); coding-DNA position 2943, G replaced by T.
Protein change: p.Val981=; no amino-acid change (valine 981 retained).
Molecular consequence: synonymous variant.
Genome position (GRCh38, 1-based): chr20:50,891,771, C>A on the plus strand (G>T on the coding strand, the complement: ADNP is on the minus strand). VCF-style: chr20-50891771-C-A. GRCh37 (hg19) VCF-style: chr20-49508308-C-A.
Other names: c.2943G>T (NM_001282531.2); c.2943G>T, p.Val981= (NM_001282532.2, NM_001347511.2, NM_015339.5 and 1 more transcripts).
Identifiers: ClinVar variation 712654 (VCV000712654.45), dbSNP rs143103063, ClinGen allele CA9908486.
Genomic context (GRCh38, chr20:50,891,771, plus strand): 5'-GGAAGACTCGTCAGACCAGGTTCCTGGTTTCATTTCGCAGGTATTGTCCTCAAAGTCTGA[C>A]ACTTGTTGGGATCCAGGCCCACTCTCAGATGGAGAAGCACCGTCTTTCCACTCAACAACA-3'
Protein context (NP_001269460.1, residues 971-991): PSESGPGSQQ[Val981=]SDFEDNTCEM

ClinVar aggregate classification (germline): Benign/Likely benign. Review status: criteria provided, multiple submitters, no conflicts (2 of 4 stars). 10 submissions from 10 submitters: Benign (5); Likely benign (4). 1 of the submissions does not count toward it. Last evaluated 2026-08-01.

Conditions:
ADNP-related disorder. Also called: ADNP-related condition.
Inborn genetic diseases. Identifiers: MedGen C0950123, MeSH D030342.
ADNP-related multiple congenital anomalies - intellectual disability - autism spectrum disorder. Also called: ADNP-Related Helsmoortel-Van der Aa Syndrome; Helsmoortel-Van der Aa Syndrome. Identifiers: Orphanet 404448, MedGen C4014538, MONDO:0014379, OMIM 615873. Disease mechanism: loss of function.

Allele frequency attached by ClinVar (database versions not stated): 1000 Genomes Project 30x 0.00062; 1000 Genomes Project 0.00080; gnomAD exomes 0.00100; ExAC 0.00102; gnomAD 0.00106 and 0.00107; TOPMed 0.00115; ESP Exome Variant Server 0.00192.
gnomAD v4.1: 2,131 of 1,614,176 alleles (0.13%); highest among the groups gnomAD compares: Middle Eastern, 0.16%; 4 homozygotes.

Submissions (10):

CeGaT Center for Human Genetics Tuebingen
Classification: Likely benign. Last evaluated: 2026-08-01. Review status: criteria provided, single submitter. Criteria: CeGaT Center For Human Genetics Tuebingen Variant Classification Criteria Version 2. Collection method: clinical testing. Allele origin: germline. Affected: yes. Observed: 8 variant alleles.
Comment: ADNP: BP4, BP7, BS1

Labcorp Genetics (formerly Invitae), Labcorp
Classification: Benign. Last evaluated: 2026-02-03. Review status: criteria provided, single submitter. Criteria: Invitae Variant Classification Sherloc (09022015). Collection method: clinical testing. Allele origin: germline.

Blueprint Genetics
Classification: Likely benign. Last evaluated: 2024-11-26. Review status: criteria provided, single submitter. Criteria: ACMG Guidelines, 2015. Collection method: clinical testing. Allele origin: germline.

Genome-Nilou Lab
Classification: Benign for ADNP-related multiple congenital anomalies - intellectual disability - autism spectrum disorder. Last evaluated: 2021-12-05. Review status: criteria provided, single submitter. Criteria: ACMG Guidelines, 2015. Collection method: clinical testing. Allele origin: germline. Affected: no.

Fulgent Genetics
Classification: Likely benign for ADNP-related multiple congenital anomalies - intellectual disability - autism spectrum disorder. Last evaluated: 2021-08-26. Review status: criteria provided, single submitter. Criteria: ACMG Guidelines, 2015. Collection method: clinical testing. Allele origin: unknown.

GeneDx
Classification: Benign. Last evaluated: 2019-05-31. Review status: criteria provided, single submitter. Criteria: GeneDx Variant Classification Process June 2021. Collection method: clinical testing. Allele origin: germline. Affected: yes.

Ambry Genetics
Classification: Likely benign for Inborn genetic diseases. Last evaluated: 2017-09-29. Review status: criteria provided, single submitter. Criteria: Ambry Variant Classification Scheme 2023. Collection method: clinical testing. Allele origin: germline.

Genetic Services Laboratory, University of Chicago
Classification: Benign. Last evaluated: 2017-08-17. Review status: criteria provided, single submitter. Criteria: ACMG Guidelines, 2015. Collection method: clinical testing. Allele origin: germline. Affected: no.

Breakthrough Genomics
Classification: Benign. Review status: criteria provided, single submitter. Criteria: ACMG Guidelines, 2015. Collection method: not provided. Allele origin: germline. Inheritance: Autosomal dominant inheritance. Affected: yes.

PreventionGenetics, part of Exact Sciences
Classification: Likely benign for ADNP-related condition. Last evaluated: 2019-08-09. Review status: no assertion criteria provided. Collection method: clinical testing. Allele origin: germline. Not counted in ClinVar's aggregate classification.
Comment: This variant is classified as likely benign based on ACMG/AMP sequence variant interpretation guidelines (Richards et al. 2015 PMID: 25741868, with internal and published modifications).